The following is an entry in ClinVar:

ClinVar aggregate classification (germline): Benign/Likely benign. Review status: criteria provided, multiple submitters, no conflicts (2 of 4 stars). 6 submissions from 6 submitters: Benign (2); Likely benign (3). 1 of the submissions does not count toward it. Last evaluated 2026-06-08.

Conditions:
SLC19A3-related disorder. Also called: SLC19A3-related condition.
Biotin-responsive basal ganglia disease (BTBGD). Also called: THIAMINE METABOLISM DYSFUNCTION SYNDROME 2 (BIOTIN- AND THIAMINE-RESPONSIVE TYPE); Thiamine metabolism dysfunction syndrome 2 (biotin- or thiamine-responsive encephalopathy type 2); thiamine-responsive encephalopathy; Thiamine Transporter-2 Deficiency; Thiamine metabolism dysfunction syndrome type 2. Identifiers: Orphanet 199348, Orphanet 65284, MedGen C1843807, MONDO:0011841, OMIM 607483.

Allele frequency attached by ClinVar (database versions not stated): gnomAD 0.00001 and 0.00015; TOPMed 0.00001; gnomAD exomes 0.00027 and 0.00059; ExAC 0.00069; 1000 Genomes Project 30x 0.00109; 1000 Genomes Project 0.00140.
gnomAD v4.1: 415 of 1,614,050 alleles (0.026%); highest among the groups gnomAD compares: South Asian, 0.42%; 4 homozygotes.

Submissions (6):

Women's Health and Genetics/Laboratory Corporation of America, LabCorp
Classification: Likely benign. Last evaluated: 2026-06-08. Review status: criteria provided, single submitter. Criteria: LabCorp Variant Classification Summary - May 2015. Collection method: clinical testing. Allele origin: germline.
Comment: Variant summary: SLC19A3 c.1252C>G (p.Gln418Glu) results in a conservative amino acid change in the encoded protein sequence. Algorithms developed to predict the effect of missense changes on protein structure and function are either unavailable or do not agree on the potential impact of this missense change. The variant allele was found at a frequency of 0.00059 in 251120 control chromosomes, predominantly at a frequency of 0.0047 within the South Asian subpopulation in the gnomAD database, including 2 homozygotes. The observed variant frequency within South Asian control individuals in the gnomAD database exceeds the estimated maximal expected allele frequency for disease-causing variants in SLC19A3. To our knowledge, no occurrence of c.1252C>G in individuals affected with SLC19A3-related conditions and no experimental evidence demonstrating its impact on protein function have been reported. The following publications have been ascertained in the context of this evaluation (PMID: 31589614, 39286960, 28402605). ClinVar contains an entry for this variant (Variation ID: 372581). Based on the evidence outlined above, the variant was classified as likely benign.

Labcorp Genetics (formerly Invitae), Labcorp
Classification: Benign for Biotin-responsive basal ganglia disease. Last evaluated: 2026-01-28. Review status: criteria provided, single submitter. Criteria: Invitae Variant Classification Sherloc (09022015). Collection method: clinical testing. Allele origin: germline.

PreventionGenetics, part of Exact Sciences
Classification: Likely benign for SLC19A3-related condition. Last evaluated: 2025-12-30. Review status: criteria provided, single submitter. Criteria: ACMG Guidelines, 2015. Collection method: clinical testing. Allele origin: germline.
Comment: This variant is classified as likely benign based on ACMG/AMP sequence variant interpretation guidelines (Richards et al. 2015 PMID: 25741868, with internal and published modifications).

Revvity Omics, Revvity
Classification: Likely benign for Biotin-responsive basal ganglia disease. Last evaluated: 2023-07-10. Review status: criteria provided, single submitter. Criteria: ACMG Guidelines, 2015. Collection method: clinical testing. Allele origin: germline.

Illumina Laboratory Services, Illumina
Classification: Benign for Biotin-responsive basal ganglia disease. Last evaluated: 2017-04-28. Review status: criteria provided, single submitter. Criteria: ICSL Variant Classification Criteria 13 December 2019. Collection method: clinical testing. Allele origin: germline.
Comment: This variant was observed as part of a predisposition screen in an ostensibly healthy population. A literature search was performed for the gene, cDNA change, and amino acid change (where applicable). Publications were found based on this search. The evidence from the literature, in combination with allele frequency data from public databases where available, was sufficient to rule this variant out of causing disease. Therefore, this variant is classified as benign.

GeneDx
Classification: Likely pathogenic. Last evaluated: 2015-03-23. Review status: flagged submission. Criteria: GeneDx Variant Classification (06012015). Collection method: clinical testing. Allele origin: germline. Affected: yes. Not counted in ClinVar's aggregate classification.
Comment: A Q418E variant that is likely pathogenic was identified in the SLC19A3 gene. It has not been published asa pathogenic variant, nor has it been reported as a benign polymorphism to our knowledge. The 1000 GenomesProject Consortium reports Q418E was observed in 3/172 alleles from individuals from Bengali fromBangladesh. The Q418E variant is a semi-conservative amino acid substitution, which may impactsecondary protein structure as these residues differ in some properties. This substitution occurs at aposition that is conserved across species. In silico analysis predicts this variant is probably damaging to theprotein structure/function. A missense variant in a nearby residue (T422A) has been reported in theHuman Gene Mutation Database in association with biotin-responsive basal ganglia disease (Stenson et al.,2014), supporting the functional importance of this region of the protein. Therefore, this variant is a strongcandidate for a pathogenic variant, however the possibility that it is a benign variant cannot be excluded.
ClinVar note: Reason: Outlier claim with insufficient supporting evidence

Literature cited by the submitters: PubMed 31589614 (cited by Women's Health and Genetics/Laboratory Corporation of America, LabCorp); PubMed 39286960 (cited by Women's Health and Genetics/Laboratory Corporation of America, LabCorp); PubMed 28402605 (cited by Women's Health and Genetics/Laboratory Corporation of America, LabCorp); PubMed 26443248 (cited by Illumina Laboratory Services, Illumina).

NM_025243.4(SLC19A3):c.1252C>G (p.Gln418Glu)

Gene: SLC19A3 (solute carrier family 19 member 3; minus strand). Cytogenetic location: 2q36.3.
Variant type: single nucleotide variant.
Coding change: c.1252C>G on transcript NM_025243.4 (MANE Select); coding-DNA position 1252, C replaced by G.
Protein change: p.Gln418Glu; replaces glutamine 418 with glutamic acid.
Molecular consequence: missense variant.
Genome position (GRCh38, 1-based): chr2:227,688,228, G>C on the plus strand (C>G on the coding strand, the complement: SLC19A3 is on the minus strand). VCF-style: chr2-227688228-G-C. GRCh37 (hg19) VCF-style: chr2-228552944-G-C.
Other names: short protein forms Q418E.
Identifiers: ClinVar variation 372581 (VCV000372581.20), dbSNP rs368364131, ClinGen allele CA2149121.